The following is an entry in ClinVar:

NM_005359.6(SMAD4):c.845A>G (p.His282Arg)

Gene: SMAD4 (SMAD family member 4; plus strand). Cytogenetic location: 18q21.2.
Variant type: single nucleotide variant.
Coding change: c.845A>G on transcript NM_005359.6 (MANE Select); coding-DNA position 845, A replaced by G.
Protein change: p.His282Arg; replaces histidine 282 with arginine.
Molecular consequence: missense variant. On other transcripts: non-coding transcript variant (2).
Genome position (GRCh38, 1-based): chr18:51,058,397, A>G. VCF-style: chr18-51058397-A-G. GRCh37 (hg19) VCF-style: chr18-48584767-A-G.
Other names: c.845A>G, p.His282Arg (NM_001407041.1, NM_001407042.1, NM_001407043.1); short protein forms H282R.
Identifiers: ClinVar variation 3894463 (VCV003894463.1).

ClinVar aggregate classification (germline): Uncertain significance (1 of 4 stars; one submission).

Conditions:
Hereditary cancer-predisposing syndrome. Also called: Neoplastic Syndromes, Hereditary; Tumor predisposition; Hereditary Cancer Syndrome; Hereditary neoplastic syndrome. Identifiers: Orphanet 140162, MedGen C0027672, MeSH D009386, MONDO:0015356.

Submission:

Color Diagnostics, LLC DBA Color Health
Classification: Uncertain significance for Hereditary cancer-predisposing syndrome. Last evaluated: 2024-01-28. Review status: criteria provided, single submitter. Criteria: ACMG Guidelines, 2015. Collection method: clinical testing. Allele origin: germline.
Comment: This missense variant replaces histidine with arginine at codon 282 of the SMAD4 protein. Computational prediction suggests that this variant may not impact protein structure and function (internally defined REVEL score threshold <= 0.5, PMID: 27666373). To our knowledge, functional studies have not been reported for this variant. This variant has not been reported in individuals affected with SMAD4-related disorders in the literature. This variant has not been identified in the general population by the Genome Aggregation Database (gnomAD). The available evidence is insufficient to determine the role of this variant in disease conclusively. Therefore, this variant is classified as a Variant of Uncertain Significance.